The following is an entry in ClinVar:

NM_007103.4(NDUFV1):c.296G>A (p.Trp99Ter)

Gene: NDUFV1 (NADH:ubiquinone oxidoreductase core subunit V1; plus strand). Cytogenetic location: 11q13.2.
Variant type: single nucleotide variant.
Coding change: c.296G>A on transcript NM_007103.4 (MANE Select); coding-DNA position 296, G replaced by A.
Protein change: p.Trp99Ter; replaces tryptophan 99 with a stop codon.
Molecular consequence: nonsense.
Genome position (GRCh38, 1-based): chr11:67,608,692, G>A. VCF-style: chr11-67608692-G-A. GRCh37 (hg19) VCF-style: chr11-67376163-G-A.
Other names: c.269G>A, p.Trp90Ter (NM_001166102.2); short protein forms W90*, W99*.
Identifiers: ClinVar variation 2634950 (VCV002634950.4), dbSNP rs2495716193, ClinGen allele CA381533909.

ClinVar aggregate classification (germline): Pathogenic/Likely pathogenic. Review status: criteria provided, multiple submitters, no conflicts (2 of 4 stars). 2 submissions from 2 submitters: Pathogenic (1); Likely pathogenic (1). Last evaluated 2026-01-21.

Conditions:
NDUFV1-related disorder. Also called: NDUFV1-related condition; NDUFV1-related disorders.

Allele frequency attached by ClinVar (database versions not stated): gnomAD exomes 0.00002.

Submissions (2):

PreventionGenetics, part of Exact Sciences
Classification: Likely pathogenic for NDUFV1-related condition. Last evaluated: 2026-01-21. Review status: criteria provided, single submitter. Criteria: ACMG Guidelines, 2015. Collection method: clinical testing. Allele origin: germline.
Comment: The NDUFV1 c.296G>A variant is predicted to result in premature protein termination (p.Trp99*). To our knowledge, this variant has not been reported in the literature or in a large population database (gnomAD), indicating this variant is rare. Nonsense variants in NDUFV1 are expected to be pathogenic. This variant is interpreted as likely pathogenic.

Labcorp Genetics (formerly Invitae), Labcorp
Classification: Pathogenic. Last evaluated: 2025-11-10. Review status: criteria provided, single submitter. Criteria: Invitae Variant Classification Sherloc (09022015). Collection method: clinical testing. Allele origin: germline.
Comment: This sequence change creates a premature translational stop signal (p.Trp99*) in the NDUFV1 gene. It is expected to result in an absent or disrupted protein product. Loss-of-function variants in NDUFV1 are known to be pathogenic (PMID: 10080174, 11349233). This variant is not present in population databases (gnomAD no frequency). This variant has not been reported in the literature in individuals affected with NDUFV1-related conditions. ClinVar contains an entry for this variant (Variation ID: 2634950). For these reasons, this variant has been classified as Pathogenic.

Literature cited by the submitters: PubMed 10080174 (cited by Labcorp Genetics (formerly Invitae), Labcorp); PubMed 11349233 (cited by Labcorp Genetics (formerly Invitae), Labcorp).